The following is an entry in ClinVar:

NM_001128840.3(CACNA1D):c.5801A>T (p.Gln1934Leu)

Gene: CACNA1D (calcium voltage-gated channel subunit alpha1 D; plus strand). Cytogenetic location: 3p21.1.
Variant type: single nucleotide variant.
Coding change: c.5801A>T on transcript NM_001128840.3 (MANE Select); coding-DNA position 5801, A replaced by T.
Protein change: p.Gln1934Leu; replaces glutamine 1934 with leucine.
Molecular consequence: missense variant.
Genome position (GRCh38, 1-based): chr3:53,808,700, A>T. VCF-style: chr3-53808700-A-T. GRCh37 (hg19) VCF-style: chr3-53842727-A-T.
Other names: c.5861A>T, p.Gln1954Leu (NM_000720.4); c.5729A>T, p.Gln1910Leu (NM_001128839.3); short protein forms Q1910L, Q1934L, Q1954L.
Identifiers: ClinVar variation 2579601 (VCV002579601.3), dbSNP rs2095580149, ClinGen allele CA353256036.

ClinVar aggregate classification (germline): Uncertain significance. Review status: criteria provided, multiple submitters, no conflicts (2 of 4 stars). 2 submissions from 2 submitters: Uncertain significance (2). Last evaluated 2024-06-02.

Allele frequency attached by ClinVar (database versions not stated): gnomAD 0.00001.
gnomAD v4.1: 1 of 1,609,502 alleles (0.000062%); highest among the groups gnomAD compares: African/African-American, 0.0013%; no homozygotes.

Submissions (2):

Labcorp Genetics (formerly Invitae), Labcorp
Classification: Uncertain significance. Last evaluated: 2024-06-02. Review status: criteria provided, single submitter. Criteria: Invitae Variant Classification Sherloc (09022015). Collection method: clinical testing. Allele origin: germline.
Comment: This sequence change replaces glutamine, which is neutral and polar, with leucine, which is neutral and non-polar, at codon 1954 of the CACNA1D protein (p.Gln1954Leu). This variant is not present in population databases (gnomAD no frequency). This variant has not been reported in the literature in individuals affected with CACNA1D-related conditions. ClinVar contains an entry for this variant (Variation ID: 2579601). An algorithm developed to predict the effect of missense changes on protein structure and function (PolyPhen-2) suggests that this variant is likely to be tolerated. In summary, the available evidence is currently insufficient to determine the role of this variant in disease. Therefore, it has been classified as a Variant of Uncertain Significance.

GeneDx
Classification: Uncertain significance. Last evaluated: 2023-03-07. Review status: criteria provided, single submitter. Criteria: GeneDx Variant Classification Process June 2021. Collection method: clinical testing. Allele origin: germline. Affected: yes.
Comment: Not observed at significant frequency in large population cohorts (gnomAD); In silico analysis supports that this missense variant has a deleterious effect on protein structure/function; Has not been previously published as pathogenic or benign to our knowledge